The following is an entry in ClinVar:

ClinVar aggregate classification (germline): Uncertain significance (1 of 4 stars; one submission).

gnomAD v4.1: 1 of 1,613,934 alleles (0.000062%); highest among the groups gnomAD compares: Non-Finnish European, 0.000085%; no homozygotes.

Submission:

GeneDx
Classification: Uncertain significance. Last evaluated: 2026-02-21. Review status: criteria provided, single submitter. Criteria: GeneDx Variant Classification Process June 2021. Collection method: clinical testing. Allele origin: germline.
Comment: Not observed at significant frequency in large population cohorts (gnomAD); In silico analysis supports that this missense variant has a deleterious effect on protein structure/function; Has not been previously published as pathogenic or benign to our knowledge

NM_018426.3(TMEM63B):c.1955T>C (p.Met652Thr)

Gene: TMEM63B (transmembrane protein 63B; plus strand). Cytogenetic location: 6p21.1.
Variant type: single nucleotide variant.
Coding change: c.1955T>C on transcript NM_018426.3 (MANE Select); coding-DNA position 1955, T replaced by C.
Protein change: p.Met652Thr; replaces methionine 652 with threonine.
Molecular consequence: missense variant.
Genome position (GRCh38, 1-based): chr6:44,153,688, T>C. VCF-style: chr6-44153688-T-C. GRCh37 (hg19) VCF-style: chr6-44121425-T-C.
Other names: c.1955T>C, p.Met652Thr (NM_001318792.1); short protein forms M652T.
Identifiers: ClinVar variation 5009947 (VCV005009947.1).